The following is an entry in ClinVar:

ClinVar aggregate classification (germline): Uncertain significance (1 of 4 stars; one submission).

Submission:

Women's Health and Genetics/Laboratory Corporation of America, LabCorp
Classification: Uncertain significance. Last evaluated: 2026-05-20. Review status: criteria provided, single submitter. Criteria: LabCorp Variant Classification Summary - May 2015. Collection method: clinical testing. Allele origin: germline.
Comment: Variant summary: CACNA1H c.3314G>T (p.Arg1105Leu) results in a non-conservative amino acid change in the encoded protein sequence. Algorithms developed to predict the effect of missense changes on protein structure and function are either unavailable or do not agree on the potential impact of this missense change. The variant was absent in 165698 control chromosomes. The available data on variant occurrences in the general population are insufficient to allow any conclusion about variant significance. To our knowledge, no occurrence of c.3314G>T in individuals affected with CACNA1H-related conditions and no experimental evidence demonstrating its impact on protein function have been reported. No submitters have cited clinical-significance assessments for this variant to ClinVar. Based on the evidence outlined above, the variant was classified as uncertain significance.

NM_021098.3(CACNA1H):c.3314G>T (p.Arg1105Leu)

Gene: CACNA1H (calcium voltage-gated channel subunit alpha1 H; plus strand). Cytogenetic location: 16p13.3.
Variant type: single nucleotide variant.
Coding change: c.3314G>T on transcript NM_021098.3 (MANE Select); coding-DNA position 3314, G replaced by T.
Protein change: p.Arg1105Leu; replaces arginine 1105 with leucine.
Molecular consequence: missense variant.
Genome position (GRCh38, 1-based): chr16:1,208,172, G>T. VCF-style: chr16-1208172-G-T. GRCh37 (hg19) VCF-style: chr16-1258172-G-T.
Other names: c.3314G>T, p.Arg1105Leu (NM_001005407.2); short protein forms R1105L.
Identifiers: ClinVar variation 4853760 (VCV004853760.1).